The following is an entry in ClinVar:

NM_022436.3(ABCG5):c.1010A>C (p.Lys337Thr)

Genes: ABCG5 (ATP binding cassette subfamily G member 5; minus strand), DYNC2LI1 (dynein cytoplasmic 2 light intermediate chain 1; plus strand). Cytogenetic location: 2p21.
Variant type: single nucleotide variant.
Coding change: c.1010A>C on transcript NM_022436.3 (MANE Select); coding-DNA position 1010, A replaced by C.
Protein change: p.Lys337Thr; replaces lysine 337 with threonine.
Molecular consequence: missense variant. On other transcripts: intron variant (2).
Genome position (GRCh38, 1-based): chr2:43,824,327, T>G on the plus strand (A>C on the coding strand, the complement: ABCG5 is on the minus strand). VCF-style: chr2-43824327-T-G. GRCh37 (hg19) VCF-style: chr2-44051466-T-G.
Other names: c.*16-3059T>G (NM_001348913.2, NM_001348912.2); short protein forms K337T.
Identifiers: ClinVar variation 4613328 (VCV004613328.1).

ClinVar aggregate classification (germline): Uncertain significance (1 of 4 stars; one submission).

Conditions:
Cardiovascular phenotype. Identifiers: MedGen CN230736.

gnomAD v4.1: 1 of 1,614,190 alleles (0.000062%); highest among the groups gnomAD compares: Non-Finnish European, 0.000085%; no homozygotes.

Submission:

Ambry Genetics
Classification: Uncertain significance for Cardiovascular phenotype. Last evaluated: 2025-11-04. Review status: criteria provided, single submitter. Criteria: Ambry Variant Classification Scheme 2023. Collection method: clinical testing. Allele origin: germline.
Comment: The p.K337T variant (also known as c.1010A>C), located in coding exon 8 of the ABCG5 gene, results from an A to C substitution at nucleotide position 1010. The lysine at codon 337 is replaced by threonine, an amino acid with similar properties. This amino acid position is conserved. In addition, this alteration is predicted to be tolerated by in silico analysis. Based on the available evidence, the clinical significance of this variant remains unclear.